The following is an entry in ClinVar:

ClinVar aggregate classification (germline): Pathogenic (1 of 4 stars; one submission).

Conditions:
Early-infantile DEE. Also called: Early infantile epileptic encephalopathy; Early infantile epileptic encephalopathy with suppression bursts; Ohtahara syndrome. Identifiers: Orphanet 1934, MedGen C0393706, MONDO:0800491.

Submission:

Labcorp Genetics (formerly Invitae), Labcorp
Classification: Pathogenic for Early-infantile DEE. Last evaluated: 2023-10-19. Review status: criteria provided, single submitter. Criteria: Invitae Variant Classification Sherloc (09022015). Collection method: clinical testing. Allele origin: germline.
Comment: This sequence change replaces valine, which is neutral and non-polar, with alanine, which is neutral and non-polar, at codon 250 of the KCNQ2 protein (p.Val250Ala). This variant is not present in population databases (gnomAD no frequency). This missense change has been observed in individual(s) with clinical features of KCNQ2-related conditions (Invitae). In at least one individual the variant was observed to be de novo. ClinVar contains an entry for this variant (Variation ID: 1490541). Advanced modeling of protein sequence and biophysical properties (such as structural, functional, and spatial information, amino acid conservation, physicochemical variation, residue mobility, and thermodynamic stability) performed at Invitae indicates that this missense variant is expected to disrupt KCNQ2 protein function. This variant disrupts the p.Val250 amino acid residue in KCNQ2. Other variant(s) that disrupt this residue have been determined to be pathogenic (PMID: 27779742). This suggests that this residue is clinically significant, and that variants that disrupt this residue are likely to be disease-causing. For these reasons, this variant has been classified as Pathogenic.

Literature cited by the submitters: PubMed 27779742.

NM_172107.4(KCNQ2):c.749T>C (p.Val250Ala)

Gene: KCNQ2 (potassium voltage-gated channel subfamily Q member 2; minus strand). Cytogenetic location: 20q13.33.
Variant type: single nucleotide variant.
Coding change: c.749T>C on transcript NM_172107.4 (MANE Select); coding-DNA position 749, T replaced by C.
Protein change: p.Val250Ala; replaces valine 250 with alanine.
Molecular consequence: missense variant.
Genome position (GRCh38, 1-based): chr20:63,442,473, A>G on the plus strand (T>C on the coding strand, the complement: KCNQ2 is on the minus strand). VCF-style: chr20-63442473-A-G. GRCh37 (hg19) VCF-style: chr20-62073826-A-G.
Other names: c.749T>C, p.Val250Ala (NM_001382235.1, NM_004518.6, NM_172106.3 and 2 more transcripts); short protein forms V250A.
Identifiers: ClinVar variation 1490541 (VCV001490541.7), dbSNP rs118192206, ClinGen allele CA409653915.